The following is an entry in ClinVar:

NM_001128840.3(CACNA1D):c.4131G>A (p.Met1377Ile)

Gene: CACNA1D (calcium voltage-gated channel subunit alpha1 D; plus strand). Cytogenetic location: 3p21.1.
Variant type: single nucleotide variant.
Coding change: c.4131G>A on transcript NM_001128840.3 (MANE Select); coding-DNA position 4131, G replaced by A.
Protein change: p.Met1377Ile; replaces methionine 1377 with isoleucine.
Molecular consequence: missense variant.
Genome position (GRCh38, 1-based): chr3:53,774,607, G>A. VCF-style: chr3-53774607-G-A. GRCh37 (hg19) VCF-style: chr3-53808634-G-A.
Other names: c.4191G>A, p.Met1397Ile (NM_000720.4); c.4086G>A, p.Met1362Ile (NM_001128839.3); short protein forms M1362I, M1377I, M1397I.
Identifiers: ClinVar variation 1475857 (VCV001475857.7), dbSNP rs2095386383, ClinGen allele CA353241180.

ClinVar aggregate classification (germline): Uncertain significance. Review status: criteria provided, multiple submitters, no conflicts (2 of 4 stars). 2 submissions from 2 submitters: Uncertain significance (2). Last evaluated 2026-01-07.

Allele frequency attached by ClinVar (database versions not stated): TOPMed 0.00001; gnomAD exomes 0.00001.

Submissions (2):

Labcorp Genetics (formerly Invitae), Labcorp
Classification: Uncertain significance. Last evaluated: 2026-01-07. Review status: criteria provided, single submitter. Criteria: Invitae Variant Classification Sherloc (09022015). Collection method: clinical testing. Allele origin: germline.
Comment: This sequence change replaces methionine, which is neutral and non-polar, with isoleucine, which is neutral and non-polar, at codon 1397 of the CACNA1D protein (p.Met1397Ile). This variant is not present in population databases (gnomAD no frequency). This variant has not been reported in the literature in individuals affected with CACNA1D-related conditions. ClinVar contains an entry for this variant (Variation ID: 1475857). Invitae Evidence Modeling of protein sequence and biophysical properties (such as structural, functional, and spatial information, amino acid conservation, physicochemical variation, residue mobility, and thermodynamic stability) indicates that this missense variant is not expected to disrupt CACNA1D protein function with a negative predictive value of 80%. In summary, the available evidence is currently insufficient to determine the role of this variant in disease. Therefore, it has been classified as a Variant of Uncertain Significance.

Women's Health and Genetics/Laboratory Corporation of America, LabCorp
Classification: Uncertain significance. Last evaluated: 2025-10-13. Review status: criteria provided, single submitter. Criteria: LabCorp Variant Classification Summary - May 2015. Collection method: clinical testing. Allele origin: germline.
Comment: Variant summary: CACNA1D c.4191G>A (p.Met1397Ile) results in a conservative amino acid change in the encoded protein sequence. Algorithms developed to predict the effect of missense changes on protein structure and function are either unavailable or do not agree on the potential impact of this missense change. The variant was absent in 251478 control chromosomes. The available data on variant occurrences in the general population are insufficient to allow any conclusion about variant significance. To our knowledge, no occurrence of c.4191G>A in individuals affected with CACNA1D-related conditions and no experimental evidence demonstrating its impact on protein function have been reported. ClinVar contains an entry for this variant (Variation ID: 1475857). Based on the evidence outlined above, the variant was classified as uncertain significance.